The following is an entry in ClinVar:

NM_031443.4(CCM2):c.867C>T (p.Ser289=)

Gene: CCM2 (CCM2 scaffold protein; plus strand). Cytogenetic location: 7p13.
Variant type: single nucleotide variant.
Coding change: c.867C>T on transcript NM_031443.4 (MANE Select); coding-DNA position 867, C replaced by T.
Protein change: p.Ser289=; no amino-acid change (serine 289 retained).
Molecular consequence: synonymous variant. On other transcripts: non-coding transcript variant (1).
Genome position (GRCh38, 1-based): chr7:45,073,523, C>T. VCF-style: chr7-45073523-C-T. GRCh37 (hg19) VCF-style: chr7-45113122-C-T.
Other names: NC_000007.13:g.45113122C>T; c.930C>T, p.Ser310= (NM_001029835.2); c.693C>T, p.Ser231= (NM_001167934.2); c.594C>T, p.Ser198= (NM_001167935.2); c.990C>T, p.Ser330= (NM_001363458.2); c.816C>T, p.Ser272= (NM_001363459.2).
Identifiers: ClinVar variation 3358228 (VCV003358228.2).

ClinVar aggregate classification (germline): Likely benign (0 of 4 stars; one submission).

Conditions:
CCM2-related disorder. Also called: CCM2-related condition.

gnomAD v4.1: 32 of 1,612,954 alleles (0.002%); highest among the groups gnomAD compares: Non-Finnish European, 0.0027%; no homozygotes.

Submissions (2):

PreventionGenetics, part of Exact Sciences
Classification: Likely benign for CCM2-related condition. Last evaluated: 2024-07-12. Review status: no assertion criteria provided. Collection method: clinical testing. Allele origin: germline.
Comment: This variant is classified as likely benign based on ACMG/AMP sequence variant interpretation guidelines (Richards et al. 2015 PMID: 25741868, with internal and published modifications).

Dr. Peter K. Rogan Lab, Western University
No classification provided (evidence only). Condition: Gastric cancer. Review status: no classification provided. Collection method: in vitro. Allele origin: not applicable. Functional consequence: retained intron. Not counted in ClinVar's aggregate classification.